The following is an entry in ClinVar:

NM_138711.6(PPARG):c.1006G>C (p.Gly336Arg)

Gene: PPARG (peroxisome proliferator activated receptor gamma; plus strand). Cytogenetic location: 3p25.2.
Variant type: single nucleotide variant.
Coding change: c.1006G>C on transcript NM_138711.6 (MANE Select); coding-DNA position 1006, G replaced by C.
Protein change: p.Gly336Arg; replaces glycine 336 with arginine.
Molecular consequence: missense variant. On other transcripts: intron variant (5).
Genome position (GRCh38, 1-based): chr3:12,416,980, G>C. VCF-style: chr3-12416980-G-C. GRCh37 (hg19) VCF-style: chr3-12458479-G-C.
Other names: c.1006G>C, p.Gly336Arg (NM_001354666.3, NM_001354667.3, NM_001374263.2 and 3 more transcripts); c.379G>C, p.Gly127Arg (NM_001354669.2); c.1096G>C, p.Gly366Arg (NM_015869.5); c.729+10899G>C (NM_001374261.3, NM_001374262.3, NM_001330615.4); c.653+10981G>C (NM_001374266.1); c.819+10899G>C (NM_001374265.1); short protein forms G127R, G336R, G366R.
Identifiers: ClinVar variation 1996343 (VCV001996343.4), dbSNP rs2471062005, ClinGen allele CA351619720.

ClinVar aggregate classification (germline): Uncertain significance (1 of 4 stars; one submission).

Submission:

Labcorp Genetics (formerly Invitae), Labcorp
Classification: Uncertain significance. Last evaluated: 2022-05-19. Review status: criteria provided, single submitter. Criteria: Invitae Variant Classification Sherloc (09022015). Collection method: clinical testing. Allele origin: germline.
Comment: This variant has not been reported in the literature in individuals affected with PPARG-related conditions. Algorithms developed to predict the effect of missense changes on protein structure and function (SIFT, PolyPhen-2, Align-GVGD) all suggest that this variant is likely to be disruptive. In summary, the available evidence is currently insufficient to determine the role of this variant in disease. Therefore, it has been classified as a Variant of Uncertain Significance. This sequence change replaces glycine, which is neutral and non-polar, with arginine, which is basic and polar, at codon 366 of the PPARG protein (p.Gly366Arg). This variant is not present in population databases (gnomAD no frequency).